The following is an entry in ClinVar:

ClinVar aggregate classification (germline): Uncertain significance. Review status: criteria provided, single submitter (1 of 4 stars). 2 submissions from 2 submitters: Uncertain significance (1). 1 of the submissions does not count toward it. Last evaluated 2022-02-04.

Conditions:
Charlevoix-Saguenay spastic ataxia (SACS). Also called: SPASTIC ATAXIA 6, AUTOSOMAL RECESSIVE; AUTOSOMAL RECESSIVE SPASTIC ATAXIA OF CHARLEVOIX-SAGUENAY; Spastic ataxia of Charlevoix-Saguenay. Identifiers: Orphanet 98, MedGen C1849140, MONDO:0010041, OMIM 270550.
Spastic paraplegia. Identifiers: MedGen C0037772, HP:0001258.

Allele frequency attached by ClinVar (database versions not stated): gnomAD 0.00001; gnomAD exomes 0.00001; TOPMed 0.00001.
gnomAD v4.1: 15 of 1,613,920 alleles (0.00093%); highest among the groups gnomAD compares: Non-Finnish European, 0.0013%; no homozygotes.

Submissions (2):

Labcorp Genetics (formerly Invitae), Labcorp
Classification: Uncertain significance for Spastic paraplegia. Last evaluated: 2022-02-04. Review status: criteria provided, single submitter. Criteria: Invitae Variant Classification Sherloc (09022015). Collection method: clinical testing. Allele origin: germline.
Comment: This sequence change replaces lysine, which is basic and polar, with arginine, which is basic and polar, at codon 4020 of the SACS protein (p.Lys4020Arg). This variant is not present in population databases (gnomAD no frequency). This variant has not been reported in the literature in individuals affected with SACS-related conditions. ClinVar contains an entry for this variant (Variation ID: 644590). Advanced modeling of protein sequence and biophysical properties (such as structural, functional, and spatial information, amino acid conservation, physicochemical variation, residue mobility, and thermodynamic stability) performed at Invitae indicates that this missense variant is not expected to disrupt SACS protein function. In summary, the available evidence is currently insufficient to determine the role of this variant in disease. Therefore, it has been classified as a Variant of Uncertain Significance.

Natera, Inc.
Classification: Uncertain significance for Charlevoix-Saguenay type spastic ataxia. Last evaluated: 2021-02-08. Review status: no assertion criteria provided. Collection method: clinical testing. Allele origin: germline. Not counted in ClinVar's aggregate classification.

NM_014363.6(SACS):c.12059A>G (p.Lys4020Arg)

Gene: SACS (sacsin molecular chaperone; minus strand). Cytogenetic location: 13q12.12.
Variant type: single nucleotide variant.
Coding change: c.12059A>G on transcript NM_014363.6 (MANE Select); coding-DNA position 12059, A replaced by G.
Protein change: p.Lys4020Arg; replaces lysine 4020 with arginine.
Molecular consequence: missense variant.
Genome position (GRCh38, 1-based): chr13:23,331,817, T>C on the plus strand (A>G on the coding strand, the complement: SACS is on the minus strand). VCF-style: chr13-23331817-T-C. GRCh37 (hg19) VCF-style: chr13-23905956-T-C.
Other names: c.11618A>G, p.Lys3873Arg (NM_001278055.2); short protein forms K3873R, K4020R.
Identifiers: ClinVar variation 644590 (VCV000644590.4), dbSNP rs1328721442, ClinGen allele CA387508589.